The following is an entry in ClinVar:

ClinVar aggregate classification (germline): Conflicting classifications of pathogenicity. Review status: criteria provided, conflicting classifications (1 of 4 stars). 6 submissions from 6 submitters: Uncertain significance (4); Benign (1); Likely benign (1). Last evaluated 2025-12-23.

Conditions:
Hereditary cancer-predisposing syndrome. Also called: Tumor predisposition; Hereditary Cancer Syndrome; Hereditary neoplastic syndrome; Neoplastic Syndromes, Hereditary. Identifiers: Orphanet 140162, MedGen C0027672, MeSH D009386, MONDO:0015356.
Hereditary breast ovarian cancer syndrome. Also called: Breast and ovarian cancer; Hereditary breast and/or ovarian cancer syndrome; BRCA1- and BRCA2-Associated Hereditary Breast and Ovarian Cancer; Hereditary breast and ovarian cancer syndrome; Hereditary breast and ovarian cancer syndrome (HBOC); Hereditary breast and ovarian cancer. Identifiers: Orphanet 145, MedGen C0677776, MeSH D061325, MONDO:0003582. Disease mechanism: loss of function.
Breast-ovarian cancer, familial, susceptibility to, 1 (BROVCA1). Also called: BRCA1 Hereditary Breast and Ovarian Cancer; OVARIAN CANCER, SUSCEPTIBILITY TO. Identifiers: Orphanet 145, MedGen C2676676, MONDO:0011450, OMIM 604370. Disease mechanism: loss of function.
BRCA1-related disorder. Also called: BRCA1-related condition.

Allele frequency attached by ClinVar (database versions not stated): gnomAD exomes below 0.00001; ExAC 0.00001.
gnomAD v4.1: 3 of 1,613,988 alleles (0.00019%); highest among the groups gnomAD compares: Admixed American, 0.0017%; no homozygotes.

Submissions (6):

Labcorp Genetics (formerly Invitae), Labcorp
Classification: Benign for Hereditary breast ovarian cancer syndrome. Last evaluated: 2025-12-23. Review status: criteria provided, single submitter. Criteria: Invitae Variant Classification Sherloc (09022015). Collection method: clinical testing. Allele origin: germline.

Ambry Genetics
Classification: Uncertain significance for Hereditary cancer-predisposing syndrome. Last evaluated: 2024-05-17. Review status: criteria provided, single submitter. Criteria: Ambry Variant Classification Scheme 2023. Collection method: clinical testing. Allele origin: germline.
Comment: The p.L718R variant (also known as c.2153T>G), located in coding exon 9 of the BRCA1 gene, results from a T to G substitution at nucleotide position 2153. The leucine at codon 718 is replaced by arginine, an amino acid with dissimilar properties. This amino acid position is not well conserved in available vertebrate species. In addition, the in silico prediction for this alteration is inconclusive. Since supporting evidence is limited at this time, the clinical significance of this alteration remains unclear.

All of Us Research Program, National Institutes of Health
Classification: Uncertain significance for Breast-ovarian cancer, familial, susceptibility to, 1. Last evaluated: 2023-12-01. Review status: criteria provided, single submitter. Criteria: ACMG Guidelines, 2015. Collection method: clinical testing. Allele origin: germline. Inheritance: Autosomal dominant inheritance. Observed: 1 variant allele, 1 heterozygote.
Comment: This missense variant replaces leucine with arginine at codon 718 of the BRCA1 protein. Computational prediction is inconclusive regarding the impact of this variant on protein structure and function (internally defined REVEL score threshold 0.5 < inconclusive < 0.7, PMID: 27666373). To our knowledge, functional studies have not been reported for this variant. This variant has not been reported in individuals affected with hereditary cancer in the literature. This variant has been identified in 1/250948 chromosomes in the general population by the Genome Aggregation Database (gnomAD). The available evidence is insufficient to determine the role of this variant in disease conclusively. Therefore, this variant is classified as a Variant of Uncertain Significance.

This study involves interpretation of variants in research participants for the purpose of population health screening. Participant phenotype was not available at the time of variant classification. Additional details can be found in publication PMID: 35346344, PMCID: PMC8962531

University of Washington Department of Laboratory Medicine, University of Washington
Classification: Likely benign for Hereditary cancer-predisposing syndrome. Last evaluated: 2023-03-23. Review status: criteria provided, single submitter. Criteria: Dines et al. (Genet Med. 2020). Collection method: curation. Allele origin: germline.
Comment: Missense variant in a coldspot region where missense variants are very unlikely to be pathogenic (PMID:31911673).

BRCA1 coldspot (exon 11 using historical exon numbering). Reclassification based on statistical prior probability

PreventionGenetics, part of Exact Sciences
Classification: Uncertain significance for BRCA1-related condition. Last evaluated: 2022-11-28. Review status: criteria provided, single submitter. Criteria: ACMG Guidelines, 2015. Collection method: clinical testing. Allele origin: germline.
Comment: The BRCA1 c.2153T>G variant is predicted to result in the amino acid substitution p.Leu718Arg. To our knowledge, this variant has not been reported in the literature. This variant is reported in 0.0029% of alleles in individuals of Latino descent in gnomAD and has been interpreted as a variant of uncertain significance in CilnVar. At this time, the clinical significance of this variant is uncertain due to the absence of conclusive functional and genetic evidence.

Color Diagnostics, LLC DBA Color Health
Classification: Uncertain significance for Hereditary cancer-predisposing syndrome. Last evaluated: 2022-06-13. Review status: criteria provided, single submitter. Criteria: ACMG Guidelines, 2015. Collection method: clinical testing. Allele origin: germline.
Comment: This missense variant replaces leucine with arginine at codon 718 of the BRCA1 protein. Computational prediction is inconclusive regarding the impact of this variant on protein structure and function (internally defined REVEL score threshold 0.5 < inconclusive < 0.7, PMID: 27666373). To our knowledge, functional studies have not been reported for this variant. This variant has not been reported in individuals affected with hereditary cancer in the literature. This variant has been identified in 1/250948 chromosomes in the general population by the Genome Aggregation Database (gnomAD). The available evidence is insufficient to determine the role of this variant in disease conclusively. Therefore, this variant is classified as a Variant of Uncertain Significance.

NM_007294.4(BRCA1):c.2153T>G (p.Leu718Arg)

Gene: BRCA1 (BRCA1 DNA repair associated; minus strand). Cytogenetic location: 17q21.31.
Variant type: single nucleotide variant.
Coding change: c.2153T>G on transcript NM_007294.4 (MANE Select); coding-DNA position 2153, T replaced by G.
Protein change: p.Leu718Arg; replaces leucine 718 with arginine.
Molecular consequence: missense variant. On other transcripts: intron variant (137).
Genome position (GRCh38, 1-based): chr17:43,093,378, A>C on the plus strand (T>G on the coding strand, the complement: BRCA1 is on the minus strand). VCF-style: chr17-43093378-A-C. GRCh37 (hg19) VCF-style: chr17-41245395-A-C.
Other names: c.2153T>G, p.Leu718Arg (NM_001407603.1, NM_001407605.1, NM_001407616.1 and 30 more transcripts); c.2150T>G, p.Leu717Arg (NM_001407610.1, NM_001407611.1, NM_001407612.1 and 22 more transcripts); c.2144T>G, p.Leu715Arg (NM_001407647.1, NM_001407646.1); c.2030T>G, p.Leu677Arg (NM_001407648.1, NM_001407668.1, NM_001407669.1 and 19 more transcripts); c.2027T>G, p.Leu676Arg (NM_001407649.1, NM_001407670.1, NM_001407671.1 and 11 more transcripts); c.2075T>G, p.Leu692Arg (NM_001407653.1, NM_001407654.1, NM_001407655.1 and 4 more transcripts); c.2012T>G, p.Leu671Arg (NM_001407692.1, NM_001407694.1, NM_001407695.1 and 29 more transcripts); c.2009T>G, p.Leu670Arg (NM_001407740.1, NM_001407741.1, NM_001407838.1 and 20 more transcripts); and 41 more; short protein forms L718R, L671R, L550R, L590R, L422R, L606R, L629R, L648R.
Identifiers: ClinVar variation 482963 (VCV000482963.23), dbSNP rs748550848, ClinGen allele CA058776.
Genomic context (GRCh38, chr17:43,093,378, plus strand): 5'-ACTGTTTCTAGTTTCTCTTCTTTTTCTTCTCTTGGAAGGCTAGGATTGACAAATTCTTTA[A>C]GTTCACTGGTATTTGAACACTTAGTAAAAGAACCAGGTGCATTTGTTAACTTCAGCTCTG-3'
Protein context (NP_009225.1, residues 708-728): SFTKCSNTSE[Leu718Arg]KEFVNPSLPR